The following is an entry in ClinVar:

ClinVar aggregate classification (germline): Pathogenic/Likely pathogenic. Review status: criteria provided, multiple submitters, no conflicts (2 of 4 stars). 7 submissions from 7 submitters: Pathogenic (5); Likely pathogenic (1). 1 of the submissions does not count toward it. Last evaluated 2025-12-09.

Conditions:
Autosomal recessive nonsyndromic hearing loss 23. Identifiers: Orphanet 90636, MedGen C1836027, MONDO:0012293, OMIM 609533.
Usher syndrome type 1F (USH1F). Also called: USHER SYNDROME, TYPE IF. Identifiers: Orphanet 231169, Orphanet 886, MedGen C1865885, MONDO:0011186, OMIM 602083.
PCDH15-related disorder. Also called: PCDH15-related condition; PCDH15-related disorders.

Allele frequency attached by ClinVar (database versions not stated): gnomAD exomes below 0.00001; ExAC 0.00001; gnomAD 0.00001; TOPMed 0.00001; ESP Exome Variant Server 0.00008.

Submissions (7):

Genetics Research Center, University of Social Welfare and Rehabilitation Sciences
Classification: Pathogenic for Autosomal recessive nonsyndromic hearing loss 23. Last evaluated: 2025-12-09. Review status: criteria provided, single submitter. Criteria: ACMG Guidelines, 2015. Collection method: research. Allele origin: germline. Affected: yes.
Comment: The variant is not present in the gnomAD v2.1.1 dataset and has been previously reported in individual(s) affected with PCDH15-related hearing loss (PMID:11398101, 11487575, 14570705, 24618850, 27460420). It is a stop-gain mutation expected to disrupt normal protein function either through nonsense-mediated decay (NMD) or by producing a truncated protein.

Labcorp Genetics (formerly Invitae), Labcorp
Classification: Pathogenic. Last evaluated: 2025-07-31. Review status: criteria provided, single submitter. Criteria: Invitae Variant Classification Sherloc (09022015). Collection method: clinical testing. Allele origin: germline.
Comment: This sequence change creates a premature translational stop signal (p.Arg336*) in the PCDH15 gene. It is expected to result in an absent or disrupted protein product. Loss-of-function variants in PCDH15 are known to be pathogenic (PMID: 11398101, 11487575, 14570705). This variant is present in population databases (rs370261904, gnomAD 0.01%). This premature translational stop signal has been observed in individual(s) with Usher syndrome (PMID: 24618850, 27460420). This variant is also known as p.Arg341*. ClinVar contains an entry for this variant (Variation ID: 370327). For these reasons, this variant has been classified as Pathogenic.

Natera, Inc.
Classification: Pathogenic for Usher syndrome type 1F. Last evaluated: 2025-04-21. Review status: criteria provided, single submitter. Criteria: Natera Variant Classification Schema (03/2026). Collection method: clinical testing. Allele origin: germline.
Comment: The c.1006C>T variant in PCDH15 is a nonsense variant predicted to introduce a stop codon at amino acid 336. This variant is expected to result in nonsense mediated decay, truncation, or a dysfunctional protein product. This variant is rare in the general population with a frequency below the threshold expected for the associated phenotype(s). This variant has been observed in one or more individuals affected with the associated recessive disease, as either homozygous or compound heterozygous with a second variant (PMID: 35982127). Given the available evidence, this variant is classified as Pathogenic.

GeneDx
Classification: Pathogenic. Last evaluated: 2025-02-11. Review status: criteria provided, single submitter. Criteria: GeneDx Variant Classification Process June 2021. Collection method: clinical testing. Allele origin: germline. Affected: yes.
Comment: Nonsense variant predicted to result in protein truncation or nonsense mediated decay in a gene for which loss of function is a known mechanism of disease; Not observed at significant frequency in large population cohorts (gnomAD); Also reported as c.1021C>T p.(Arg341*) using an alternate transcript; This variant is associated with the following publications: (PMID: 24618850, 35982127, 26445815, 27460420)

Women's Health and Genetics/Laboratory Corporation of America, LabCorp
Classification: Pathogenic for Usher syndrome type 1F. Last evaluated: 2023-11-01. Review status: criteria provided, single submitter. Criteria: LabCorp Variant Classification Summary - May 2015. Collection method: clinical testing. Allele origin: germline.
Comment: Variant summary: PCDH15 c.1006C>T (p.Arg336X) results in a premature termination codon, predicted to cause a truncation of the encoded protein or absence of the protein due to nonsense mediated decay, which are commonly known mechanisms for disease. The variant was absent in 251302 control chromosomes (gnomAD). c.1006C>T has been reported in the literature in individuals affected with Usher Syndrome Type 1F (e.g., Bonnet_2016). These data suggest the variant is very likely to be associated with disease. The following publication was ascertained in the context of this evaluation (PMID: 27460420). Three submitters have reported clinical-significance assessments for this variant to ClinVar after 2014. All submitters classified the variant as pathogenic/likely pathogenic. Based on the evidence outlined above, the variant was classified as pathogenic.

Blueprint Genetics
Classification: Likely pathogenic for PCDH15-related disorders. Last evaluated: 2023-06-16. Review status: criteria provided, single submitter. Criteria: ACMG Guidelines, 2015. Collection method: clinical testing. Allele origin: germline. Affected: yes. Observed: 2 variant alleles.

Counsyl
Classification: Likely pathogenic for Usher syndrome type 1F. Last evaluated: 2016-01-11. Review status: no assertion criteria provided. Collection method: clinical testing. Allele origin: unknown. Not counted in ClinVar's aggregate classification.

Literature cited by the submitters: PubMed 11398101 (cited by Genetics Research Center, University of Social Welfare and Rehabilitation Sciences and Labcorp Genetics (formerly Invitae), Labcorp); PubMed 11487575 (cited by Genetics Research Center, University of Social Welfare and Rehabilitation Sciences and Labcorp Genetics (formerly Invitae), Labcorp); PubMed 14570705 (cited by Genetics Research Center, University of Social Welfare and Rehabilitation Sciences and Labcorp Genetics (formerly Invitae), Labcorp); PubMed 24618850 (cited by 3 submitters); PubMed 27460420 (cited by 3 submitters); PubMed 35982127 (cited by Natera, Inc.).

NM_001384140.1(PCDH15):c.1006C>T (p.Arg336Ter)

Gene: PCDH15 (protocadherin related 15; minus strand). Cytogenetic location: 10q21.1.
Variant type: single nucleotide variant.
Coding change: c.1006C>T on transcript NM_001384140.1 (MANE Select); coding-DNA position 1006, C replaced by T.
Protein change: p.Arg336Ter; replaces arginine 336 with a stop codon.
Molecular consequence: nonsense.
Genome position (GRCh38, 1-based): chr10:54,214,028, G>A on the plus strand (C>T on the coding strand, the complement: PCDH15 is on the minus strand). VCF-style: chr10-54214028-G-A. GRCh37 (hg19) VCF-style: chr10-55973788-G-A.
Other names: c.1021C>T, p.Arg341Ter (NM_001142763.2, NM_001142769.4, NM_001142771.2); c.1006C>T, p.Arg336Ter (NM_001142764.2, NM_001142765.2, NM_001142766.2 and 7 more transcripts); c.895C>T, p.Arg299Ter (NM_001142767.2); c.940C>T, p.Arg314Ter (NM_001142768.2, NM_001142773.2, NM_001354404.2); short protein forms R336*, R299*, R314*, R341*.
Identifiers: ClinVar variation 370327 (VCV000370327.20), dbSNP rs370261904, ClinGen allele CA5506515.